The following is an entry in ClinVar:

NM_144687.4(NLRP12):c.2642G>C (p.Ser881Thr)

Gene: NLRP12 (NLR family pyrin domain containing 12; minus strand). Cytogenetic location: 19q13.42.
Variant type: single nucleotide variant.
Coding change: c.2642G>C on transcript NM_144687.4 (MANE Select); coding-DNA position 2642, G replaced by C.
Protein change: p.Ser881Thr; replaces serine 881 with threonine.
Molecular consequence: missense variant.
Genome position (GRCh38, 1-based): chr19:53,801,341, C>G on the plus strand (G>C on the coding strand, the complement: NLRP12 is on the minus strand). VCF-style: chr19-53801341-C-G. GRCh37 (hg19) VCF-style: chr19-54304595-C-G.
Other names: c.2645G>C, p.Ser882Thr (NM_001277126.2); c.2642G>C, p.Ser881Thr (NM_001277129.1); short protein forms S881T, S882T.
Identifiers: ClinVar variation 2814760 (VCV002814760.3), dbSNP rs2514256818, ClinGen allele CA407408606.

ClinVar aggregate classification (germline): Uncertain significance (1 of 4 stars; one submission).

Conditions:
Familial cold autoinflammatory syndrome 2 (FCAS2). Identifiers: Orphanet 247868, MedGen C2673198, MONDO:0012724, OMIM 611762.

Submission:

Labcorp Genetics (formerly Invitae), Labcorp
Classification: Uncertain significance for Familial cold autoinflammatory syndrome 2. Last evaluated: 2022-11-16. Review status: criteria provided, single submitter. Criteria: Invitae Variant Classification Sherloc (09022015). Collection method: clinical testing. Allele origin: germline.
Comment: This variant has not been reported in the literature in individuals affected with NLRP12-related conditions. This sequence change replaces serine, which is neutral and polar, with threonine, which is neutral and polar, at codon 881 of the NLRP12 protein (p.Ser881Thr). This variant is not present in population databases (gnomAD no frequency). Algorithms developed to predict the effect of missense changes on protein structure and function (SIFT, PolyPhen-2, Align-GVGD) all suggest that this variant is likely to be tolerated. In summary, the available evidence is currently insufficient to determine the role of this variant in disease. Therefore, it has been classified as a Variant of Uncertain Significance.